The following is an entry in ClinVar:

NM_002617.4(PEX10):c.776+2T>C

Gene: PEX10 (peroxisomal biogenesis factor 10; minus strand). Cytogenetic location: 1p36.32.
Variant type: single nucleotide variant.
Coding change: c.776+2T>C on transcript NM_002617.4 (MANE Select); the canonical splice donor site of the intron after coding-DNA position 776, T replaced by C.
Molecular consequence: splice donor variant.
Genome position (GRCh38, 1-based): chr1:2,406,718, A>G on the plus strand (T>C on the coding strand, the complement: PEX10 is on the minus strand). VCF-style: chr1-2406718-A-G. GRCh37 (hg19) VCF-style: chr1-2338157-A-G.
Other names: c.344+2T>C (NM_001374427.1); c.401+2T>C (NM_001374426.1); c.833+2T>C (NM_001374425.1); c.836+2T>C (NM_153818.2).
Identifiers: ClinVar variation 555007 (VCV000555007.4), dbSNP rs1335685844, ClinGen allele CA337984924.

ClinVar aggregate classification (germline): Likely pathogenic. Review status: criteria provided, multiple submitters, no conflicts (2 of 4 stars). 3 submissions from 3 submitters: Likely pathogenic (2). 1 of the submissions does not count toward it. Last evaluated 2025-11-21.

Conditions:
Peroxisome biogenesis disorder 6A (Zellweger). Also called: Peroxisome biogenesis disorder 6A. Identifiers: Orphanet 912, MedGen C3553947, MONDO:0013936, OMIM 614870.
Zellweger spectrum disorders (ZS). Also called: Zellweger Spectrum Disorder (ZSD); Zellweger Spectrum Disorder; Zellweger Spectrum; Zellweger syndrome. Identifiers: Orphanet 912, MedGen C0043459, MONDO:0019609.
Peroxisome biogenesis disorder 6B (PBD6B). Identifiers: Orphanet 44, MedGen C3553948, MONDO:0013937, OMIM 614871.

Allele frequency attached by ClinVar (database versions not stated): gnomAD exomes below 0.00001; TOPMed below 0.00001; gnomAD 0.00001.
gnomAD v4.1: 3 of 1,608,648 alleles (0.00019%); highest among the groups gnomAD compares: Non-Finnish European, 0.00025%; no homozygotes.

Submissions (3):

Natera, Inc.
Classification: Likely pathogenic for Zellweger syndrome. Last evaluated: 2025-11-21. Review status: criteria provided, single submitter. Criteria: Natera Variant Classification Schema (03/2026). Collection method: clinical testing. Allele origin: germline.
Comment: The c.836+2T>C variant in PEX10 is a canonical splice donor site variant predicted to affect pre-mRNA splicing, which may result in an abnormal transcript and altered protein product. This variant is expected to result in nonsense mediated decay, truncation, or a dysfunctional protein product. This variant is rare in the general population with a frequency below the threshold expected for the associated phenotype(s). Given the available evidence, this variant is classified as Likely Pathogenic.

Baylor Genetics
Classification: Likely pathogenic for Peroxisome biogenesis disorder 6A (Zellweger). Last evaluated: 2023-08-09. Review status: criteria provided, single submitter. Criteria: ACMG Guidelines, 2015. Collection method: clinical testing. Allele origin: unknown.

Counsyl
Classification: Likely pathogenic for Peroxisome biogenesis disorder 6A (Zellweger); Peroxisome biogenesis disorder 6B. Last evaluated: 2017-11-10. Review status: no assertion criteria provided. Collection method: clinical testing. Allele origin: unknown. Not counted in ClinVar's aggregate classification.